The following is an entry in ClinVar:

ClinVar aggregate classification (germline): Benign/Likely benign. Review status: criteria provided, multiple submitters, no conflicts (2 of 4 stars). 8 submissions from 6 submitters: Benign (6); Likely benign (2). Last evaluated 2022-12-15.

Conditions:
von Willebrand disease type 2 (VWD2). Also called: VON WILLEBRAND DISEASE, TYPE II; VWD, TYPE 2; VON WILLEBRAND DISEASE, TYPE 2A/IIE; VON WILLEBRAND DISEASE, TYPE 2CB. Identifiers: Orphanet 166081, Orphanet 903, MedGen C1264040, MONDO:0013304, OMIM 613554.
von Willebrand disease type 3 (VWD3). Also called: Type 3 Von Willebrand's disease; Type 3 VWD; Von Willebrand disease, severe form; V WD3; VON WILLEBRAND DISEASE, TYPE III. Identifiers: Orphanet 166096, MedGen C1264041, MONDO:0010191, OMIM 277480.
von Willebrand disease type 1 (VWD1). Also called: VON WILLEBRAND DISEASE, TYPE I; VWD, TYPE 1. Identifiers: Orphanet 166078, Orphanet 903, MedGen C1264039, MONDO:0008668, OMIM 193400. Inheritance: autosomal recessive or autosomal dominant.

Allele frequency attached by ClinVar (database versions not stated): ExAC below 0.00001; gnomAD exomes 0.00773 and 0.02562; gnomAD 0.05771; TOPMed 0.07345; 1000 Genomes Project 0.07648; 1000 Genomes Project 30x 0.08276.

Submissions (8):

Mayo Clinic Laboratories, Mayo Clinic
Classification: Benign. Last evaluated: 2022-12-15. Review status: criteria provided, single submitter. Criteria: ACMG Guidelines, 2015. Collection method: clinical testing. Allele origin: germline. Observed: 24 variant alleles.
Comment: BA1, BS1, BS3, BP4, BP7

Quest Diagnostics Nichols Institute San Juan Capistrano
Classification: Benign. Last evaluated: 2022-04-28. Review status: criteria provided, single submitter. Criteria: Quest Diagnostics criteria. Collection method: clinical testing. Allele origin: unknown.

Genome-Nilou Lab
Classification: Benign for von Willebrand disease type 1. Last evaluated: 2021-12-05. Review status: criteria provided, single submitter. Criteria: ACMG Guidelines, 2015. Collection method: clinical testing. Allele origin: germline. Affected: no.

Genome-Nilou Lab
Classification: Benign for von Willebrand disease type 3. Last evaluated: 2021-12-05. Review status: criteria provided, single submitter. Criteria: ACMG Guidelines, 2015. Collection method: clinical testing. Allele origin: germline. Affected: no.

Genome-Nilou Lab
Classification: Benign for von Willebrand disease type 2. Last evaluated: 2021-12-05. Review status: criteria provided, single submitter. Criteria: ACMG Guidelines, 2015. Collection method: clinical testing. Allele origin: germline. Affected: no.

GeneDx
Classification: Benign. Last evaluated: 2019-08-23. Review status: criteria provided, single submitter. Criteria: GeneDx Variant Classification Process June 2021. Collection method: clinical testing. Allele origin: germline. Affected: yes.
Comment: This variant is associated with the following publications: (PMID: 30361419)

Breakthrough Genomics
Classification: Likely benign. Review status: criteria provided, single submitter. Criteria: ACMG Guidelines, 2015. Collection method: not provided. Allele origin: germline. Inheritance: Autosomal recessive inheritance. Affected: yes.

PreventionGenetics, part of Exact Sciences
Classification: Likely benign. Review status: criteria provided, single submitter. Criteria: ACMG Guidelines, 2015. Collection method: clinical testing. Allele origin: germline.

Literature cited by the submitters: PubMed 22315491 (cited by Quest Diagnostics Nichols Institute San Juan Capistrano); PubMed 28971901 (cited by Quest Diagnostics Nichols Institute San Juan Capistrano).

NM_000552.5(VWF):c.3426T>C (p.Cys1142=)

Gene: VWF (von Willebrand factor; minus strand). Cytogenetic location: 12p13.31.
Variant type: single nucleotide variant.
Coding change: c.3426T>C on transcript NM_000552.5 (MANE Select); coding-DNA position 3426, T replaced by C.
Protein change: p.Cys1142=; no amino-acid change (cysteine 1142 retained).
Molecular consequence: synonymous variant.
Genome position (GRCh38, 1-based): chr12:6,022,852, A>G on the plus strand (T>C on the coding strand, the complement: VWF is on the minus strand). VCF-style: chr12-6022852-A-G. GRCh37 (hg19) VCF-style: chr12-6132018-A-G.
Other names: p.Cys1142=; c.3426T>C (NM_000552.4).
Identifiers: ClinVar variation 256668 (VCV000256668.14), dbSNP rs535693463, ClinGen allele CA6402757.